The following is an entry in ClinVar:

ClinVar aggregate classification (germline): Uncertain significance (1 of 4 stars; one submission).

Conditions:
ENHANCED S-CONE SYNDROME 1 (ESCS1). Also called: RETINOSCHISIS WITH EARLY HEMERALOPIA; FAVRE HYALOIDEORETINAL DEGENERATION. Identifiers: MedGen CN380299, OMIM 268100.

Submission:

Myriad Genetics, Inc.
Classification: Uncertain significance for ENHANCED S-CONE SYNDROME 1. Last evaluated: 2026-04-16. Review status: criteria provided, single submitter. Criteria: Myriad Autosomal Dominant, Autosomal Recessive and X-Linked Classification Criteria (2023). Collection method: clinical testing. Allele origin: unknown.
Comment: NM_014249.2(NR2E3):c.200G>T(C67F) is a missense variant classified as a variant of uncertain significance in the context of enhanced S-cone syndrome. C67F has not been observed in cases with relevant disease. Relevant functional assessments of this variant are not available in the literature. C67F has not been observed in referenced population frequency databases. In summary, there is insufficient evidence to classify NM_014249.2(NR2E3):c.200G>T(C67F) as pathogenic or benign. Please note: this variant was assessed in the context of healthy population screening.

NM_014249.4(NR2E3):c.200G>T (p.Cys67Phe)

Gene: NR2E3 (nuclear receptor subfamily 2 group E member 3; plus strand). Cytogenetic location: 15q23.
Variant type: single nucleotide variant.
Coding change: c.200G>T on transcript NM_014249.4 (MANE Select); coding-DNA position 200, G replaced by T.
Protein change: p.Cys67Phe; replaces cysteine 67 with phenylalanine.
Molecular consequence: missense variant.
Genome position (GRCh38, 1-based): chr15:71,811,564, G>T. VCF-style: chr15-71811564-G-T. GRCh37 (hg19) VCF-style: chr15-72103904-G-T.
Other names: c.200G>T, p.Cys67Phe (NM_016346.4); short protein forms C67F.
Identifiers: ClinVar variation 5003858 (VCV005003858.1).